The following is an entry in ClinVar:

ClinVar aggregate classification (germline): Uncertain significance. Review status: criteria provided, multiple submitters, no conflicts (2 of 4 stars). 2 submissions from 2 submitters: Uncertain significance (2). Last evaluated 2025-06-12.

Conditions:
Epileptic encephalopathy. Identifiers: MedGen C0543888, HP:0200134.

Allele frequency attached by ClinVar (database versions not stated): gnomAD exomes 0.00001 and 0.00005; TOPMed 0.00002; gnomAD 0.00006; ExAC 0.00008; 1000 Genomes Project 30x 0.00016.
gnomAD v4.1: 28 of 1,539,336 alleles (0.0018%); highest among the groups gnomAD compares: Admixed American, 0.022%; no homozygotes.

Submissions (2):

Labcorp Genetics (formerly Invitae), Labcorp
Classification: Uncertain significance for Epileptic encephalopathy. Last evaluated: 2025-06-12. Review status: criteria provided, single submitter. Criteria: Invitae Variant Classification Sherloc (09022015). Collection method: clinical testing. Allele origin: germline.
Comment: This sequence change replaces alanine, which is neutral and non-polar, with threonine, which is neutral and polar, at codon 1686 of the FASN protein (p.Ala1686Thr). This variant is present in population databases (rs778912716, gnomAD 0.02%). This variant has not been reported in the literature in individuals affected with FASN-related conditions. ClinVar contains an entry for this variant (Variation ID: 531008). An algorithm developed to predict the effect of missense changes on protein structure and function outputs the following: PolyPhen-2: "Benign". The threonine amino acid residue is found in multiple mammalian species, which suggests that this missense change does not adversely affect protein function. In summary, the available evidence is currently insufficient to determine the role of this variant in disease. Therefore, it has been classified as a Variant of Uncertain Significance.

Ambry Genetics
Classification: Uncertain significance. Last evaluated: 2024-01-23. Review status: criteria provided, single submitter. Criteria: Ambry Variant Classification Scheme 2023. Collection method: clinical testing. Allele origin: germline.

NM_004104.5(FASN):c.5056G>A (p.Ala1686Thr)

Gene: FASN (fatty acid synthase; minus strand). Cytogenetic location: 17q25.3.
Variant type: single nucleotide variant.
Coding change: c.5056G>A on transcript NM_004104.5 (MANE Select); coding-DNA position 5056, G replaced by A.
Protein change: p.Ala1686Thr; replaces alanine 1686 with threonine.
Molecular consequence: missense variant.
Genome position (GRCh38, 1-based): chr17:82,084,017, C>T on the plus strand (G>A on the coding strand, the complement: FASN is on the minus strand). VCF-style: chr17-82084017-C-T. GRCh37 (hg19) VCF-style: chr17-80041893-C-T.
Other names: short protein forms A1686T.
Identifiers: ClinVar variation 531008 (VCV000531008.8), dbSNP rs778912716, ClinGen allele CA8851845.